The following is an entry in ClinVar:

ClinVar aggregate classification (germline): Likely benign. Review status: criteria provided, multiple submitters, no conflicts (2 of 4 stars). 2 submissions from 2 submitters: Likely benign (2). Last evaluated 2025-04-23.

Allele frequency attached by ClinVar (database versions not stated): gnomAD 0.00001; TOPMed 0.00001.
gnomAD v4.1: 4 of 1,613,888 alleles (0.00025%); highest among the groups gnomAD compares: Non-Finnish European, 0.00034%; no homozygotes.

Submissions (2):

Labcorp Genetics (formerly Invitae), Labcorp
Classification: Likely benign. Last evaluated: 2025-04-23. Review status: criteria provided, single submitter. Criteria: Invitae Variant Classification Sherloc (09022015). Collection method: clinical testing. Allele origin: germline.

Laboratory for Molecular Medicine, Mass General Brigham Personalized Medicine
Classification: Likely benign. Last evaluated: 2017-08-23. Review status: criteria provided, single submitter. Criteria: LMM Criteria. Collection method: clinical testing. Allele origin: germline. Observed: 1 variant allele.
Comment: c.5765+8G>T in intron 40 of MYH9: This variant is not expected to have clinical significance because it does not alter an amino acid residue and is not located within the splice consensus sequence. It has been identified in 2/65962 European chromosomes by the Exome Aggregation Consortium (ExAC; dbSNP rs766826415).

NM_002473.6(MYH9):c.5765+8G>T

Gene: MYH9 (myosin heavy chain 9; minus strand). Cytogenetic location: 22q12.3.
Variant type: single nucleotide variant.
Coding change: c.5765+8G>T on transcript NM_002473.6 (MANE Select); 8 bases into the intron after coding-DNA position 5765, G replaced by T.
Molecular consequence: intron variant.
Genome position (GRCh38, 1-based): chr22:36,284,085, C>A on the plus strand (G>T on the coding strand, the complement: MYH9 is on the minus strand). VCF-style: chr22-36284085-C-A. GRCh37 (hg19) VCF-style: chr22-36680131-C-A.
Identifiers: ClinVar variation 517574 (VCV000517574.7), dbSNP rs766826415, ClinGen allele CA10208937.